The following is an entry in ClinVar:

ClinVar aggregate classification (germline): Likely benign. Review status: criteria provided, single submitter (1 of 4 stars). 2 submissions from 2 submitters: Likely benign (1). 1 of the submissions does not count toward it. Last evaluated 2025-03-24.

Conditions:
Cohen syndrome (COH1). Also called: PEPPER SYNDROME; Cutis verticis gyrata, retinitis pigmentosa, and sensorineural deafness. Identifiers: Orphanet 193, MedGen C0265223, MONDO:0008999, OMIM 216550.
VPS13B-related disorder. Also called: VPS13B-related condition.

gnomAD v4.1: 3 of 1,614,122 alleles (0.00019%); highest among the groups gnomAD compares: Admixed American, 0.005%; no homozygotes.

Submissions (2):

Labcorp Genetics (formerly Invitae), Labcorp
Classification: Likely benign for Cohen syndrome. Last evaluated: 2025-03-24. Review status: criteria provided, single submitter. Criteria: Invitae Variant Classification Sherloc (09022015). Collection method: clinical testing. Allele origin: germline.

PreventionGenetics, part of Exact Sciences
Classification: Likely benign for VPS13B-related condition. Last evaluated: 2024-06-10. Review status: no assertion criteria provided. Collection method: clinical testing. Allele origin: germline. Not counted in ClinVar's aggregate classification.
Comment: This variant is classified as likely benign based on ACMG/AMP sequence variant interpretation guidelines (Richards et al. 2015 PMID: 25741868, with internal and published modifications).

NM_152564.5(VPS13B):c.10497T>C (p.Phe3499=)

Gene: VPS13B (vacuolar protein sorting 13 homolog B; plus strand). Cytogenetic location: 8q22.2.
Variant type: single nucleotide variant.
Coding change: c.10497T>C on transcript NM_152564.5 (MANE Select); coding-DNA position 10497, T replaced by C.
Protein change: p.Phe3499=; no amino-acid change (phenylalanine 3499 retained).
Molecular consequence: synonymous variant.
Genome position (GRCh38, 1-based): chr8:99,853,886, T>C. VCF-style: chr8-99853886-T-C. GRCh37 (hg19) VCF-style: chr8-100866114-T-C.
Other names: c.10572T>C, p.Phe3524= (NM_017890.5); c.10497T>C (NM_152564.4).
Identifiers: ClinVar variation 1583314 (VCV001583314.9), dbSNP rs781420614, ClinGen allele CA4824957.